The following is an entry in ClinVar:

NM_000022.4(ADA):c.148A>T (p.Ile50Phe)

Genes: ADA (adenosine deaminase; minus strand), LOC107303343 (adenosine deaminase intronic regulatory elements; plus strand). Cytogenetic location: 20q13.12.
Variant type: single nucleotide variant.
Coding change: c.148A>T on transcript NM_000022.4 (MANE Select); coding-DNA position 148, A replaced by T.
Protein change: p.Ile50Phe; replaces isoleucine 50 with phenylalanine.
Molecular consequence: missense variant. On other transcripts: 5 prime UTR variant (1), non-coding transcript variant (1).
Genome position (GRCh38, 1-based): chr20:44,629,117, T>A on the plus strand (A>T on the coding strand, the complement: ADA is on the minus strand). VCF-style: chr20-44629117-T-A. GRCh37 (hg19) VCF-style: chr20-43257758-T-A.
Other names: c.-142A>T (NM_001322050.2); c.148A>T, p.Ile50Phe (NM_001322051.2); short protein forms I50F.
Identifiers: ClinVar variation 3674903 (VCV003674903.1).
Genomic context (GRCh38, chr20:44,629,117, plus strand): 5'-GCATGTAGTAGTCAAACTTGGCCAGGAAGTCTGGAAGGGTGAGCGGCTTGTCCATGCCAA[T>A]GACGTTCAGCAGCCCCTCTGCTGTGTTAGCTGGGAGGGCGATCCCTCTCCTCCTGGAAAC-3'
Protein context (NP_000013.2, residues 40-60): ANTAEGLLNV[Ile50Phe]GMDKPLTLPD

ClinVar aggregate classification (germline): Uncertain significance (1 of 4 stars; one submission).

Conditions:
Severe combined immunodeficiency, autosomal recessive, T cell-negative, B cell-negative, NK cell-negative, due to adenosine deaminase deficiency. Also called: ADA-SCID; SCID DUE TO ADA DEFICIENCY; SCID DUE TO ADA DEFICIENCY, EARLY-ONSET; ADA deficiency; Adenosine deaminase deficient severe combined immunodeficiency; Severe combined immunodeficiency due to ADA deficiency. Identifiers: Orphanet 277, MedGen C0392607, MONDO:0007064, OMIM 102700.

Submission:

Labcorp Genetics (formerly Invitae), Labcorp
Classification: Uncertain significance for Severe combined immunodeficiency, autosomal recessive, T cell-negative, B cell-negative, NK cell-negative, due to adenosine deaminase deficiency. Last evaluated: 2024-06-07. Review status: criteria provided, single submitter. Criteria: Invitae Variant Classification Sherloc (09022015). Collection method: clinical testing. Allele origin: germline.
Comment: This sequence change replaces isoleucine, which is neutral and non-polar, with phenylalanine, which is neutral and non-polar, at codon 50 of the ADA protein (p.Ile50Phe). This variant is not present in population databases (gnomAD no frequency). This variant has not been reported in the literature in individuals affected with ADA-related conditions. Advanced modeling of protein sequence and biophysical properties (such as structural, functional, and spatial information, amino acid conservation, physicochemical variation, residue mobility, and thermodynamic stability) performed at Invitae indicates that this missense variant is not expected to disrupt ADA protein function with a negative predictive value of 80%. In summary, the available evidence is currently insufficient to determine the role of this variant in disease. Therefore, it has been classified as a Variant of Uncertain Significance.